The following is an entry in ClinVar:

NM_000169.3(GLA):c.1287_1288dup (p.Ter430PheextTer?)

Genes: GLA (galactosidase alpha; minus strand), RPL36A-HNRNPH2 (RPL36A-HNRNPH2 readthrough; plus strand). Cytogenetic location: Xq22.1.
Variant type: Duplication.
Coding change: c.1287_1288dup on transcript NM_000169.3 (MANE Select); coding-DNA positions 1287 to 1288, 2 bases duplicated (TT; older notation c.1287_1288dupTT).
Protein change: p.Ter430PheextTer?.
Molecular consequence: frameshift variant, stop lost. On other transcripts: non-coding transcript variant (3), intron variant (2).
Genome position (GRCh38, 1-based): chrX:101,397,811-101,397,812, AA duplicated on the plus strand (TT on the coding strand, the reverse complement: GLA is on the minus strand); duplicating any 2 consecutive bases within chrX:101,397,811-101,397,813 gives the same sequence; the c. name uses the placement nearest the transcript's 3' end. VCF-style (leftmost placement, unchanged base first): chrX-101397810-T-TAA. GRCh37 (hg19) VCF-style: chrX-100652798-T-TAA.
Other names: c.1410_1411dup, p.Ter471PheextTer? (NM_001406747.1); c.300+2355_300+2356dup (NM_001199973.2); c.177+5990_177+5991dup (NM_001199974.2).
Identifiers: ClinVar variation 4087249 (VCV004087249.2).

ClinVar aggregate classification (germline): Likely pathogenic (1 of 4 stars; one submission).

Conditions:
Fabry disease. Also called: ALPHA-GALACTOSIDASE A DEFICIENCY; ANDERSON-FABRY DISEASE; CERAMIDE TRIHEXOSIDASE DEFICIENCY; GLA DEFICIENCY; HEREDITARY DYSTOPIC LIPIDOSIS; Angiokeratoma corporis diffusum. Identifiers: Orphanet 324, MedGen C0002986, MONDO:0010526, OMIM 301500, HP:0001071. Disease mechanism: Fabry disease is due to inactivating mutations in the X-linked GLA gene resulting in deficiency of the enzyme Alpha Galactosidase-A., loss of function.

Submission:

Genomenon, Inc
Classification: Likely pathogenic for Fabry disease. Last evaluated: 2026-09-08. Review status: criteria provided, single submitter. Criteria: Genomenon Sequence Variant Interpretation Standards - Updated. Collection method: curation. Allele origin: germline. Affected: yes.
Comment: GLA p.Ter430GlnextTer? (c.1287_1288dup) is a stop-loss variant that results in a C-terminal protein extension. This variant has been observed in at least one proband with clinical features consistent with Fabry disease (PMID:35578305). The variant was found to segregate with disease in at least one affected family (PMID:38002959). At least one functional study has demonstrated a substantial alteration in protein function relative to the wild-type (PMID:27657681). It is absent or not present at a significant frequency in gnomAD. In conclusion, we classify GLA p.Ter430GlnextTer? (c.1287_1288dup) as a likely pathogenic variant.

Literature cited by the submitters: PubMed 35578305; PubMed 38002959; PubMed 27657681.